The following is an entry in ClinVar:

ClinVar aggregate classification (germline): Uncertain significance (1 of 4 stars; one submission).

gnomAD v4.1: 1 of 1,605,270 alleles (0.000062%); highest among the groups gnomAD compares: Non-Finnish European, 0.000085%; no homozygotes.

Submission:

Labcorp Genetics (formerly Invitae), Labcorp
Classification: Uncertain significance. Last evaluated: 2022-03-11. Review status: criteria provided, single submitter. Criteria: Invitae Variant Classification Sherloc (09022015). Collection method: clinical testing. Allele origin: germline.
Comment: In summary, the available evidence is currently insufficient to determine the role of this variant in disease. Therefore, it has been classified as a Variant of Uncertain Significance. Experimental studies and prediction algorithms are not available or were not evaluated, and the functional significance of this variant is currently unknown. This variant has not been reported in the literature in individuals affected with COL18A1-related conditions. This variant is not present in population databases (gnomAD no frequency). This sequence change replaces proline, which is neutral and non-polar, with serine, which is neutral and polar, at codon 973 of the COL18A1 protein (p.Pro973Ser).

NM_001379500.1(COL18A1):c.2926C>T (p.Pro976Ser)

Genes: COL18A1 (collagen type XVIII alpha 1 chain; plus strand), SLC19A1 (solute carrier family 19 member 1; minus strand). Cytogenetic location: 21q22.3.
Variant type: single nucleotide variant.
Coding change: c.2926C>T on transcript NM_001379500.1 (MANE Select); coding-DNA position 2926, C replaced by T.
Protein change: p.Pro976Ser; replaces proline 976 with serine.
Molecular consequence: missense variant.
Genome position (GRCh38, 1-based): chr21:45,505,191, C>T. VCF-style: chr21-45505191-C-T. GRCh37 (hg19) VCF-style: chr21-46925105-C-T.
Other names: c.3457C>T, p.Pro1153Ser (NM_030582.4); c.4162C>T, p.Pro1388Ser (NM_130444.3); short protein forms P1153S, P976S, P1388S.
Identifiers: ClinVar variation 2109213 (VCV002109213.4), dbSNP rs1568942148, ClinGen allele CA410499479.
Genomic context (GRCh38, chr21:45,505,191, plus strand): 5'-TAGGGTCCCAAGGGAGAGAGCATCCGGGGCCAGCCCGGCCCACCTGGACCTCAGGGACCC[C>T]CCGGCATCGGCTACGAGGGGCGCCAGGGCCCTCCCGGCCCCCCAGGCCCCCCAGGGCCCC-3'
Protein context (NP_001366429.1, residues 966-986): QPGPPGPQGP[Pro976Ser]GIGYEGRQGP